The following is an entry in ClinVar:

ClinVar aggregate classification (germline): Pathogenic (1 of 4 stars; one submission).

Conditions:
Spermatogenic Failure. Identifiers: MedGen C3553794, MONDO:0004983.

Submission:

Conrad Lab, Oregon Health and Science University
Classification: Pathogenic for Spermatogenic Failure. Last evaluated: 2026-09-29. Review status: criteria provided, single submitter. Criteria: ACMG Guidelines, 2015. Collection method: research. Allele origin: germline. Affected: yes. Observed: 1 variant allele. Study: GEMINI.
Comment: Published X-chromosome studies cited in the manuscript associate VCX variation with spermatogenic failure (Riera-Escamilla et al., 2022, doi:10.1016/j.ajhg.2022.06.007). This gene-level evidence and the predicted deletion effect informed the author-selected Pathogenic classification. The supplied materials do not provide event-specific functional, segregation or experimental validation evidence for this focal deletion. It is distinct from the broader Xp22.31 hotspot deletions. Coordinates are minimum bounds.

Single allele

Gene: VCX (variable charge X-linked; plus strand). Cytogenetic location: Xp22.31.
Variant type: Deletion.
Identifiers: ClinVar variation 5021140 (VCV005021140.1).